The following is an entry in ClinVar:

ClinVar aggregate classification (germline): Uncertain significance (1 of 4 stars; one submission).

Allele frequency attached by ClinVar (database versions not stated): TOPMed below 0.00001; gnomAD exomes 0.00001.

Submission:

Labcorp Genetics (formerly Invitae), Labcorp
Classification: Uncertain significance. Last evaluated: 2021-09-10. Review status: criteria provided, single submitter. Criteria: Invitae Variant Classification Sherloc (09022015). Collection method: clinical testing. Allele origin: germline.
Comment: This sequence change replaces alanine with proline at codon 157 of the RARS protein (p.Ala157Pro). The alanine residue is highly conserved and there is a small physicochemical difference between alanine and proline. This variant is not present in population databases (ExAC no frequency). This variant has not been reported in the literature in individuals affected with RARS-related conditions. Algorithms developed to predict the effect of missense changes on protein structure and function are either unavailable or do not agree on the potential impact of this missense change (SIFT: "Tolerated"; PolyPhen-2: "Probably Damaging"; Align-GVGD: "Class C0"). In summary, the available evidence is currently insufficient to determine the role of this variant in disease. Therefore, it has been classified as a Variant of Uncertain Significance.

NM_002887.4(RARS1):c.469G>C (p.Ala157Pro)

Gene: RARS1 (arginyl-tRNA synthetase 1; plus strand). Cytogenetic location: 5q34.
Variant type: single nucleotide variant.
Coding change: c.469G>C on transcript NM_002887.4 (MANE Select); coding-DNA position 469, G replaced by C.
Protein change: p.Ala157Pro; replaces alanine 157 with proline.
Molecular consequence: missense variant.
Genome position (GRCh38, 1-based): chr5:168,493,993, G>C. VCF-style: chr5-168493993-G-C. GRCh37 (hg19) VCF-style: chr5-167920998-G-C.
Other names: short protein forms A157P.
Identifiers: ClinVar variation 1680412 (VCV001680412.6), dbSNP rs1181469089, ClinGen allele CA362079030.